The following is an entry in ClinVar:

ClinVar aggregate classification (germline): Uncertain significance (1 of 4 stars; one submission).

Conditions:
TNF receptor-associated periodic fever syndrome (TRAPS) (FPF). Also called: TNF Receptor-Associated Periodic Fever Syndrome; TNF receptor 1-associated periodic fever syndrome; FAMILIAL HIBERNIAN FEVER; TNF RECEPTOR-ASSOCIATED PERIODIC SYNDROME; TUMOR NECROSIS FACTOR RECEPTOR-ASSOCIATED PERIODIC SYNDROME; Autosomal Dominant Familial Periodic Fever. Identifiers: Orphanet 32960, MedGen C1275126, MONDO:0007727, OMIM 142680.

Allele frequency attached by ClinVar (database versions not stated): TOPMed below 0.00001; gnomAD exomes 0.00001 and below 0.00001; ExAC 0.00002.
gnomAD v4.1: 7 of 1,614,170 alleles (0.00043%); highest among the groups gnomAD compares: South Asian, 0.0044%; no homozygotes.

Submission:

Labcorp Genetics (formerly Invitae), Labcorp
Classification: Uncertain significance for TNF receptor-associated periodic fever syndrome (TRAPS). Last evaluated: 2022-02-02. Review status: criteria provided, single submitter. Criteria: Invitae Variant Classification Sherloc (09022015). Collection method: clinical testing. Allele origin: germline.
Comment: In summary, the available evidence is currently insufficient to determine the role of this variant in disease. Therefore, it has been classified as a Variant of Uncertain Significance. Algorithms developed to predict the effect of missense changes on protein structure and function are either unavailable or do not agree on the potential impact of this missense change (SIFT: "Tolerated"; PolyPhen-2: "Probably Damaging"; Align-GVGD: "Class C0"). This variant has not been reported in the literature in individuals affected with TNFRSF1A-related conditions. This variant is present in population databases (rs748818440, gnomAD 0.006%). This sequence change replaces serine, which is neutral and polar, with phenylalanine, which is neutral and non-polar, at codon 115 of the TNFRSF1A protein (p.Ser115Phe).

NM_001065.4(TNFRSF1A):c.344C>T (p.Ser115Phe)

Gene: TNFRSF1A (TNF receptor superfamily member 1A; minus strand). Cytogenetic location: 12p13.31.
Variant type: single nucleotide variant.
Coding change: c.344C>T on transcript NM_001065.4 (MANE Select); coding-DNA position 344, C replaced by T.
Protein change: p.Ser115Phe; replaces serine 115 with phenylalanine.
Molecular consequence: missense variant. On other transcripts: 5 prime UTR variant (1), non-coding transcript variant (1).
Genome position (GRCh38, 1-based): chr12:6,333,495, G>A on the plus strand (C>T on the coding strand, the complement: TNFRSF1A is on the minus strand). VCF-style: chr12-6333495-G-A. GRCh37 (hg19) VCF-style: chr12-6442661-G-A.
Other names: c.20C>T, p.Ser7Phe (NM_001346091.2); c.-234C>T (NM_001346092.2); short protein forms S115F, S7F.
Identifiers: ClinVar variation 1525171 (VCV001525171.8), dbSNP rs748818440, ClinGen allele CA6405564.
Genomic context (GRCh38, chr12:6,333,495, plus strand): 5'-TAATGCCGGTACTGGTTCTTCCTGCAGCCACACACGGTGTCCCGGTCCACTGTGCAAGAA[G>A]AGATCTCCACCTGACCCATTTCTGGTGAGGGGAGAAGATGGGGTATGAGTCCTGCATCCT-3'
Protein context (NP_001056.1, residues 105-125): CRKEMGQVEI[Ser115Phe]SCTVDRDTVC